The following is an entry in ClinVar:

ClinVar aggregate classification (germline): Uncertain significance. Review status: criteria provided, multiple submitters, no conflicts (2 of 4 stars). 2 submissions from 2 submitters: Uncertain significance (2). Last evaluated 2025-12-23.

Conditions:
POLD1-related polyposis and colorectal cancer syndrome (CRCS10). Also called: Colorectal cancer 10; COLORECTAL CANCER, SUSCEPTIBILITY TO, ON CHROMOSOME 19q; Colorectal cancer, susceptibility to, 10. Identifiers: Orphanet 220460, MedGen C2675481, MONDO:0012953, OMIM 612591.
Hereditary cancer-predisposing syndrome. Also called: Tumor predisposition; Neoplastic Syndromes, Hereditary; Hereditary Cancer Syndrome; Hereditary neoplastic syndrome. Identifiers: Orphanet 140162, MedGen C0027672, MeSH D009386, MONDO:0015356.

Submissions (2):

Labcorp Genetics (formerly Invitae), Labcorp
Classification: Uncertain significance for POLD1-related polyposis and colorectal cancer syndrome. Last evaluated: 2025-12-23. Review status: criteria provided, single submitter. Criteria: Invitae Variant Classification Sherloc (09022015). Collection method: clinical testing. Allele origin: germline.
Comment: This sequence change creates a premature translational stop signal (Splice site) in the POLD1 gene. Missense variants that disrupt the 3'-5' exonuclease (proof-reading) activity of the POLD1 protein are associated with PPAP (polymerase proofreading–associated polyposis) (PMID: 23263490, 23447401). However, loss-of-function variants that result in an absent or severely disrupted POLD1 protein, and missense variants outside the exonuclease domain, are unlikely to be associated with PPAP. This variant is present in population databases (no rsID available, gnomAD 0.003%). This variant has not been reported in the literature in individuals affected with POLD1-related conditions. This variant is also known as c.587_589+1del. In summary, the available evidence is currently insufficient to determine the role of this variant in disease. Therefore, it has been classified as a Variant of Uncertain Significance.

Ambry Genetics
Classification: Uncertain significance for Hereditary cancer-predisposing syndrome. Last evaluated: 2025-08-04. Review status: criteria provided, single submitter. Criteria: Ambry Variant Classification Scheme 2023. Collection method: clinical testing. Allele origin: germline.
Comment: The c.587_589+1delAGAG variant results from a deletion of 4 nucleotides between positions 587 and 589+1 and involves the canonical splice donor site after coding exon 4 of the POLD1 gene. The canonical splice donor site is highly conserved in available vertebrate species. In silico splice site analysis predicts that this alteration will weaken the native splice donor site and will result in the creation or strengthening of a novel splice donor site; however, the exact impact of this deletion on POLD1 splicing and function is currently unknown. Alterations that disrupt the canonical splice site are expected to cause aberrant splicing, resulting in an abnormal protein or a transcript that is subject to nonsense-mediated mRNA decay. However, loss of function of POLD1 has not been established as a mechanism of disease. Based on the available evidence, the clinical significance of this alteration remains unclear.

Literature cited by the submitters: PubMed 23263490 (cited by Labcorp Genetics (formerly Invitae), Labcorp); PubMed 23447401 (cited by Labcorp Genetics (formerly Invitae), Labcorp).

NM_002691.4(POLD1):c.587_589+1del

Gene: POLD1 (DNA polymerase delta 1, catalytic subunit; plus strand). Cytogenetic location: 19q13.33.
Variant type: Microsatellite.
Coding change: c.587_589+1del on transcript NM_002691.4 (MANE Select); coding-DNA position 587 through the canonical splice donor site of the intron after coding-DNA position 589, 4 bases deleted (AGAG; older notation c.587_589+1delAGAG).
Molecular consequence: splice donor variant.
Genome position (GRCh38, 1-based): chr19:50,402,122-50,402,125, AGAG deleted; deleting any 4 consecutive bases within chr19:50,402,119-50,402,125 gives the same sequence; the c. name uses the placement nearest the transcript's 3' end. VCF-style (leftmost placement, unchanged base first): chr19-50402118-CGAGA-C. GRCh37 (hg19) VCF-style: chr19-50905375-CGAGA-C.
Other names: c.587_589+1del (NM_001256849.1, NM_001308632.1); c.587_589+1delAGAG (NM_002691.2).
Identifiers: ClinVar variation 2145410 (VCV002145410.5), dbSNP rs1060501829, ClinGen allele CA633897317.